The following is an entry in ClinVar:

ClinVar aggregate classification (germline): Uncertain significance (1 of 4 stars; one submission).

Conditions:
Cardiovascular phenotype. Identifiers: MedGen CN230736.

Submission:

Ambry Genetics
Classification: Uncertain significance for Cardiovascular phenotype. Last evaluated: 2023-06-22. Review status: criteria provided, single submitter. Criteria: Ambry Variant Classification Scheme 2023. Collection method: clinical testing. Allele origin: germline.
Comment: The p.G603R variant (also known as c.1807G>C), located in coding exon 2 of the TNXB gene, results from a G to C substitution at nucleotide position 1807. The glycine at codon 603 is replaced by arginine, an amino acid with dissimilar properties. This amino acid position is conserved. In addition, the in silico prediction for this alteration is inconclusive. Since supporting evidence is limited at this time, the clinical significance of this alteration remains unclear.

NM_001365276.2(TNXB):c.1807G>C (p.Gly603Arg)

Gene: TNXB (tenascin XB; minus strand). Cytogenetic location: 6p21.33.
Variant type: single nucleotide variant.
Coding change: c.1807G>C on transcript NM_001365276.2 (MANE Select); coding-DNA position 1807, G replaced by C.
Protein change: p.Gly603Arg; replaces glycine 603 with arginine.
Molecular consequence: missense variant.
Genome position (GRCh38, 1-based): chr6:32,096,046, C>G on the plus strand (G>C on the coding strand, the complement: TNXB is on the minus strand). VCF-style: chr6-32096046-C-G. GRCh37 (hg19) VCF-style: chr6-32063823-C-G.
Other names: c.1807G>C, p.Gly603Arg (NM_019105.8); short protein forms G603R.
Identifiers: ClinVar variation 2586112 (VCV002586112.2), dbSNP rs754481329, ClinGen allele CA363477183.